The following is an entry in ClinVar:

NM_000179.3(MSH6):c.3543C>T (p.Asp1181=)

Gene: MSH6 (mutS homolog 6; plus strand). Cytogenetic location: 2p16.3.
Variant type: single nucleotide variant.
Coding change: c.3543C>T on transcript NM_000179.3 (MANE Select); coding-DNA position 3543, C replaced by T.
Protein change: p.Asp1181=; no amino-acid change (aspartic acid 1181 retained).
Molecular consequence: synonymous variant.
Genome position (GRCh38, 1-based): chr2:47,805,014, C>T. VCF-style: chr2-47805014-C-T. GRCh37 (hg19) VCF-style: chr2-48032153-C-T.
Other names: c.3153C>T, p.Asp1051= (NM_001281492.2); c.2637C>T, p.Asp879= (NM_001281493.2, NM_001281494.2).
Identifiers: ClinVar variation 920889 (VCV000920889.12), dbSNP rs267608100, ClinGen allele CA425997247.

ClinVar aggregate classification (germline): Benign/Likely benign. Review status: criteria provided, multiple submitters, no conflicts (2 of 4 stars). 4 submissions from 4 submitters: Benign (1); Likely benign (3). Last evaluated 2026-08-23.

Conditions:
Hereditary nonpolyposis colorectal neoplasms. Identifiers: MedGen C0009405, MeSH D003123.
Hereditary cancer-predisposing syndrome. Also called: Neoplastic Syndromes, Hereditary; Hereditary Cancer Syndrome; Tumor predisposition; Hereditary neoplastic syndrome. Identifiers: Orphanet 140162, MedGen C0027672, MeSH D009386, MONDO:0015356.
Lynch syndrome 5 (LYNCH5). Also called: Hereditary non-polyposis colorectal cancer, type 5; Colorectal cancer, hereditary nonpolyposis, type 5. Identifiers: Orphanet 144, MedGen C1833477, MONDO:0013710, OMIM 614350. Disease mechanism: loss of function.

gnomAD v4.1: 1 of 1,611,688 alleles (0.000062%); highest among the groups gnomAD compares: Non-Finnish European, 0.000085%; no homozygotes.

Submissions (4):

Ambry Genetics
Classification: Likely benign for Hereditary cancer-predisposing syndrome. Last evaluated: 2026-08-23. Review status: criteria provided, single submitter. Criteria: Ambry Variant Classification Scheme 2023. Collection method: clinical testing. Allele origin: germline.

Myriad Genetics, Inc.
Classification: Benign for Lynch syndrome 5. Last evaluated: 2025-01-07. Review status: criteria provided, single submitter. Criteria: Myriad Autosomal Dominant, Autosomal Recessive and X-Linked Classification Criteria (2023). Collection method: clinical testing. Allele origin: unknown.
Comment: This variant is considered benign. This variant is a silent/synonymous amino acid change and it is not expected to impact splicing.

Labcorp Genetics (formerly Invitae), Labcorp
Classification: Likely benign for Hereditary nonpolyposis colorectal neoplasms. Last evaluated: 2024-10-12. Review status: criteria provided, single submitter. Criteria: Invitae Variant Classification Sherloc (09022015). Collection method: clinical testing. Allele origin: germline.

Color Diagnostics, LLC DBA Color Health
Classification: Likely benign for Hereditary cancer-predisposing syndrome. Last evaluated: 2019-08-02. Review status: criteria provided, single submitter. Criteria: ACMG Guidelines, 2015. Collection method: clinical testing. Allele origin: germline.